The following is an entry in ClinVar:

ClinVar aggregate classification (germline): Uncertain significance (1 of 4 stars; one submission).

Submission:

GeneDx
Classification: Uncertain significance. Last evaluated: 2026-10-06. Review status: criteria provided, single submitter. Criteria: GeneDx Variant Classification Process June 2021. Collection method: clinical testing. Allele origin: germline.
Comment: Not observed at significant frequency in large population cohorts (gnomAD); In silico analysis supports that this missense variant has a deleterious effect on protein structure/function; Has not been previously published as pathogenic or benign to our knowledge

NM_001366145.2(TRPM3):c.820A>G (p.Thr274Ala)

Gene: TRPM3 (transient receptor potential cation channel subfamily M member 3; minus strand). Cytogenetic location: 9q21.12.
Variant type: single nucleotide variant.
Coding change: c.820A>G on transcript NM_001366145.2 (MANE Select); coding-DNA position 820, A replaced by G.
Protein change: p.Thr274Ala; replaces threonine 274 with alanine.
Molecular consequence: missense variant.
Genome position (GRCh38, 1-based): chr9:70,828,000, T>C on the plus strand (A>G on the coding strand, the complement: TRPM3 is on the minus strand). VCF-style: chr9-70828000-T-C. GRCh37 (hg19) VCF-style: chr9-73442916-T-C.
Other names: c.361A>G, p.Thr121Ala (NM_001007470.3, NM_001366154.2, NM_020952.6 and 6 more transcripts); c.820A>G, p.Thr274Ala (NM_001007471.4, NM_001366153.2, NM_001366146.2 and 6 more transcripts); c.826A>G, p.Thr276Ala (NM_001366141.2, NM_001366142.2, NM_001366143.2 and 1 more transcripts); short protein forms T121A, T274A, T276A.
Identifiers: ClinVar variation 3252934 (VCV003252934.2), dbSNP rs2539631413.